The following is an entry in ClinVar:

ClinVar aggregate classification (germline): Uncertain significance. Review status: criteria provided, multiple submitters, no conflicts (2 of 4 stars). 3 submissions from 3 submitters: Uncertain significance (3). Last evaluated 2025-03-13.

Conditions:
Epidermolysis bullosa simplex 5B, with muscular dystrophy (EBS5B). Also called: EPIDERMOLYSIS BULLOSA SIMPLEX AND LIMB-GIRDLE MUSCULAR DYSTROPHY; Epidermolysis bullosa simplex with muscular dystrophy. Identifiers: Orphanet 257, MedGen C2931072, MONDO:0009181, OMIM 226670.
Epidermolysis bullosa simplex, Ogna type (EBS5A). Also called: Pidermolysis bullosa simplex 5A, Ogna type; EPIDERMOLYSIS BULLOSA SIMPLEX 5A, OGNA TYPE. Identifiers: Orphanet 79401, MedGen C0432317, MONDO:0007555, OMIM 131950.
Epidermolysis bullosa simplex with nail dystrophy (EBS5D). Identifiers: MedGen C4225309, MONDO:0014661, OMIM 616487.
Autosomal recessive limb-girdle muscular dystrophy type 2Q (LGMDR17). Also called: MUSCULAR DYSTROPHY, LIMB-GIRDLE, AUTOSOMAL RECESSIVE 17. Identifiers: Orphanet 254361, MedGen C3150989, MONDO:0013390, OMIM 613723.
Epidermolysis bullosa simplex 5C, with pyloric atresia (EBS5C). Also called: PLEC1-Related Epidermolysis Bullosa with Pyloric Atresia; PLEC-Related Epidermolysis Bullosa with Pyloric Atresia; Epidermolysis bullosa simplex with pyloric atresia. Identifiers: Orphanet 158684, MedGen C2677349, MONDO:0012807, OMIM 612138.
Inborn genetic diseases. Identifiers: MedGen C0950123, MeSH D030342.

Allele frequency attached by ClinVar (database versions not stated): gnomAD 0.00001; gnomAD exomes 0.00001 and 0.00002; ExAC 0.00002.
gnomAD v4.1: 9 of 1,611,442 alleles (0.00056%); highest among the groups gnomAD compares: East Asian, 0.0045%; no homozygotes.

Submissions (3):

Labcorp Genetics (formerly Invitae), Labcorp
Classification: Uncertain significance for Autosomal recessive limb-girdle muscular dystrophy type 2Q; Epidermolysis bullosa simplex, Ogna type; Epidermolysis bullosa simplex with nail dystrophy; Epidermolysis bullosa simplex 5C, with pyloric atresia; Epidermolysis bullosa simplex 5B, with muscular dystrophy. Last evaluated: 2025-03-13. Review status: criteria provided, single submitter. Criteria: Invitae Variant Classification Sherloc (09022015). Collection method: clinical testing. Allele origin: germline.
Comment: This sequence change replaces glutamic acid, which is acidic and polar, with lysine, which is basic and polar, at codon 4174 of the PLEC protein (p.Glu4174Lys). This variant is present in population databases (rs782596567, gnomAD 0.02%). This variant has not been reported in the literature in individuals affected with PLEC-related conditions. ClinVar contains an entry for this variant (Variation ID: 1465359). Invitae Evidence Modeling of protein sequence and biophysical properties (such as structural, functional, and spatial information, amino acid conservation, physicochemical variation, residue mobility, and thermodynamic stability) indicates that this missense variant is not expected to disrupt PLEC protein function with a negative predictive value of 80%. In summary, the available evidence is currently insufficient to determine the role of this variant in disease. Therefore, it has been classified as a Variant of Uncertain Significance.

Ambry Genetics
Classification: Uncertain significance for Inborn genetic diseases. Last evaluated: 2024-05-13. Review status: criteria provided, single submitter. Criteria: Ambry Variant Classification Scheme 2023. Collection method: clinical testing. Allele origin: germline.

Mayo Clinic Laboratories, Mayo Clinic
Classification: Uncertain significance. Last evaluated: 2024-03-12. Review status: criteria provided, single submitter. Criteria: ACMG Guidelines, 2015. Collection method: clinical testing. Allele origin: germline. Observed: 2 variant alleles.

NM_201384.3(PLEC):c.12439G>A (p.Glu4147Lys)

Gene: PLEC (plectin; minus strand). Cytogenetic location: 8q24.3.
Variant type: single nucleotide variant.
Coding change: c.12439G>A on transcript NM_201384.3 (MANE Select); coding-DNA position 12439, G replaced by A.
Protein change: p.Glu4147Lys; replaces glutamic acid 4147 with lysine.
Molecular consequence: missense variant.
Genome position (GRCh38, 1-based): chr8:143,917,382, C>T on the plus strand (G>A on the coding strand, the complement: PLEC is on the minus strand). VCF-style: chr8-143917382-C-T. GRCh37 (hg19) VCF-style: chr8-144991550-C-T.
Other names: p.Glu4174Lys; c.12520G>A (NM_000445.3); c.12520G>A, p.Glu4174Lys (NM_000445.5); c.12397G>A, p.Glu4133Lys (NM_201378.4); c.12373G>A, p.Glu4125Lys (NM_201379.3); c.12850G>A, p.Glu4284Lys (NM_201380.4); c.12343G>A, p.Glu4115Lys (NM_201381.3); c.12439G>A, p.Glu4147Lys (NM_201382.4); and 1 more; short protein forms E4125K, E4133K, E4147K, E4115K, E4284K, E4151K, E4174K.
Identifiers: ClinVar variation 1465359 (VCV001465359.10), dbSNP rs782596567, ClinGen allele CA4924082.